The following is an entry in ClinVar:

ClinVar aggregate classification (germline): Uncertain significance (1 of 4 stars; one submission).

Conditions:
Familial sleep-related hypermotor epilepsy. Also called: Autosomal Dominant Sleep-Related Hypermotor (Hyperkinetic) Epilepsy. Identifiers: Orphanet 98784, MedGen C3696898, MONDO:0000030.

Allele frequency attached by ClinVar (database versions not stated): TOPMed 0.00002; gnomAD 0.00003; ExAC 0.00005; gnomAD exomes 0.00004.
gnomAD v4.1: 25 of 1,614,160 alleles (0.0015%); highest among the groups gnomAD compares: South Asian, 0.0066%; no homozygotes.

Submission:

Labcorp Genetics (formerly Invitae), Labcorp
Classification: Uncertain significance. Last evaluated: 2026-01-07. Review status: criteria provided, single submitter. Criteria: Invitae Variant Classification Sherloc (09022015). Collection method: clinical testing. Allele origin: germline.
Comment: This sequence change replaces serine, which is neutral and polar, with leucine, which is neutral and non-polar, at codon 54 of the CHRNA2 protein (p.Ser54Leu). This variant is present in population databases (rs761493925, gnomAD 0.01%). This variant has not been reported in the literature in individuals affected with CHRNA2-related conditions. ClinVar contains an entry for this variant (Variation ID: 656079). Invitae Evidence Modeling of protein sequence and biophysical properties (such as structural, functional, and spatial information, amino acid conservation, physicochemical variation, residue mobility, and thermodynamic stability) indicates that this missense variant is not expected to disrupt CHRNA2 protein function with a negative predictive value of 80%. In summary, the available evidence is currently insufficient to determine the role of this variant in disease. Therefore, it has been classified as a Variant of Uncertain Significance.

NM_000742.4(CHRNA2):c.161C>T (p.Ser54Leu)

Gene: CHRNA2 (cholinergic receptor nicotinic alpha 2 subunit; minus strand). Cytogenetic location: 8p21.2.
Variant type: single nucleotide variant.
Coding change: c.161C>T on transcript NM_000742.4 (MANE Select); coding-DNA position 161, C replaced by T.
Protein change: p.Ser54Leu; replaces serine 54 with leucine.
Molecular consequence: missense variant. On other transcripts: 5 prime UTR variant (4).
Genome position (GRCh38, 1-based): chr8:27,469,894, G>A on the plus strand (C>T on the coding strand, the complement: CHRNA2 is on the minus strand). VCF-style: chr8-27469894-G-A. GRCh37 (hg19) VCF-style: chr8-27327411-G-A.
Other names: c.161C>T, p.Ser54Leu (NM_001282455.2); c.-267C>T (NM_001347705.2); c.-312C>T (NM_001347706.2); c.-253C>T (NM_001347707.2); c.-301C>T (NM_001347708.2); short protein forms S54L.
Identifiers: ClinVar variation 656079 (VCV000656079.5), dbSNP rs761493925, ClinGen allele CA4689778.
Genomic context (GRCh38, chr8:27,469,894, plus strand): 5'-GCCCAGCGGTTGTAGCCCCGGAAGAGGTGTTTGAAGAGCCGGTCCTCAGTCTCGGTATGC[G>A]AGCCTCCCTGCGGCAATGCCGTGGGACTGGGAGAGGAGAGTGGGTCTCCAGGAGCCCTGG-3'
Protein context (NP_000733.2, residues 44-64): PSPTALPQGG[Ser54Leu]HTETEDRLFK